The following is an entry in ClinVar:

NM_000116.5(TAFAZZIN):c.351G>A (p.Lys117=)

Gene: TAFAZZIN (tafazzin, phospholipid-lysophospholipid transacylase; plus strand). Cytogenetic location: Xq28.
Variant type: single nucleotide variant.
Coding change: c.351G>A on transcript NM_000116.5 (MANE Select); coding-DNA position 351, G replaced by A.
Protein change: p.Lys117=; no amino-acid change (lysine 117 retained).
Molecular consequence: synonymous variant. On other transcripts: non-coding transcript variant (1).
Genome position (GRCh38, 1-based): chrX:154,413,548, G>A. VCF-style: chrX-154413548-G-A. GRCh37 (hg19) VCF-style: chrX-153641885-G-A.
Other names: c.405G>A, p.Lys135= (NM_001303465.2); c.351G>A, p.Lys117= (NM_181311.4, NM_181312.4, NM_181313.4); c.351G>A (NM_000116.4).
Identifiers: ClinVar variation 914161 (VCV000914161.15), dbSNP rs782564325, ClinGen allele CA10562329.
Genomic context (GRCh38, chrX:154,413,548, plus strand): 5'-TGCAGCTGCAGACATCTGCTTCACCAAGGAGCTACACTCCCACTTCTTCAGCTTGGGCAA[G>A]TGTGTGCCTGTGTGCCGAGGTGAGCTGCTCCTCCAGCGAGTGCAGGGAGGCACTTCTGGG-3'
Protein context (NP_000107.1, residues 107-127): ELHSHFFSLG[Lys117=]CVPVCRGAEF

ClinVar aggregate classification (germline): Conflicting classifications of pathogenicity. Review status: criteria provided, conflicting classifications (1 of 4 stars). 8 submissions from 6 submitters: Uncertain significance (3); Likely benign (2). 3 of the submissions do not count toward it. Last evaluated 2026-07-01.

Conditions:
TAFAZZIN-related disorder. Also called: TAFAZZIN-Related Disorders; TAFAZZIN-related condition.
Cardiovascular phenotype. Identifiers: MedGen CN230736.
Endocardial fibroelastosis (EFE). Identifiers: Orphanet 2022, MedGen C0014117, MONDO:0009169, OMIM 226000, HP:0001706.
3-Methylglutaconic aciduria type 2 (BTHS). Also called: Barth syndrome; CARDIOSKELETAL MYOPATHY WITH NEUTROPENIA AND ABNORMAL MITOCHONDRIA. Identifiers: Orphanet 111, MedGen C0574083, MONDO:0010543, OMIM 302060.
Primary dilated cardiomyopathy (DCM). Also called: Dilated Cardiomyopathy. Identifiers: Orphanet 217604, MedGen C0007193, MeSH D002311, MONDO:0005021, HP:0001644. Inheritance: Various modes of inheritance.

Allele frequency attached by ClinVar (database versions not stated): gnomAD exomes 0.00006 and 0.00001; TOPMed 0.00002; ExAC 0.00001; gnomAD 0.00002.
gnomAD v4.1: 60 of 1,210,848 alleles (0.005%); highest among the groups gnomAD compares: Non-Finnish European, 0.0067%; no homozygotes.

Submissions (8):

Ambry Genetics
Classification: Likely benign for Cardiovascular phenotype. Last evaluated: 2026-07-01. Review status: criteria provided, single submitter. Criteria: Ambry Variant Classification Scheme 2023. Collection method: clinical testing. Allele origin: germline.

Labcorp Genetics (formerly Invitae), Labcorp
Classification: Likely benign for 3-Methylglutaconic aciduria type 2. Last evaluated: 2025-12-21. Review status: criteria provided, single submitter. Criteria: Invitae Variant Classification Sherloc (09022015). Collection method: clinical testing. Allele origin: germline.

Illumina Laboratory Services, Illumina
Classification: Uncertain significance for Primary dilated cardiomyopathy. Last evaluated: 2018-01-13. Review status: criteria provided, single submitter. Criteria: ICSL Variant Classification Criteria 13 December 2019. Collection method: clinical testing. Allele origin: germline.

Illumina Laboratory Services, Illumina
Classification: Uncertain significance for 3-Methylglutaconic aciduria type 2. Last evaluated: 2018-01-13. Review status: criteria provided, single submitter. Criteria: ICSL Variant Classification Criteria 13 December 2019. Collection method: clinical testing. Allele origin: germline.

Illumina Laboratory Services, Illumina
Classification: Uncertain significance for Endocardial fibroelastosis. Last evaluated: 2018-01-13. Review status: criteria provided, single submitter. Criteria: ICSL Variant Classification Criteria 13 December 2019. Collection method: clinical testing. Allele origin: germline.

PreventionGenetics, part of Exact Sciences
Classification: Likely benign for TAFAZZIN-related condition. Last evaluated: 2019-04-15. Review status: no assertion criteria provided. Collection method: clinical testing. Allele origin: germline. Not counted in ClinVar's aggregate classification.
Comment: This variant is classified as likely benign based on ACMG/AMP sequence variant interpretation guidelines (Richards et al. 2015 PMID: 25741868, with internal and published modifications).

Diagnostic Laboratory, Department of Genetics, University Medical Center Groningen
Classification: Likely benign. Review status: no assertion criteria provided. Collection method: clinical testing. Allele origin: germline. Affected: yes. Study: VKGL Data-share Consensus. Not counted in ClinVar's aggregate classification.

Genome Diagnostics Laboratory, University Medical Center Utrecht
Classification: Likely benign. Review status: no assertion criteria provided. Collection method: clinical testing. Allele origin: germline. Affected: yes. Study: VKGL Data-share Consensus. Not counted in ClinVar's aggregate classification.